The following is an entry in ClinVar:

NM_001009944.3(PKD1):c.9513del (p.Thr3172fs)

Gene: PKD1 (polycystin 1, transient receptor potential channel interacting; minus strand). Cytogenetic location: 16p13.3.
Variant type: Deletion.
Coding change: c.9513del on transcript NM_001009944.3 (MANE Select); coding-DNA position 9513, one base deleted (C; older notation c.9513delC).
Protein change: p.Thr3172fs; shifts the reading frame from threonine 3172.
Molecular consequence: frameshift variant.
Genome position (GRCh38, 1-based): chr16:2,100,451, G deleted on the plus strand (C on the coding strand, the reverse complement: PKD1 is on the minus strand); the first of 2 consecutive G bases (chr16:2,100,451-2,100,452); deleting either gives the same sequence. VCF-style (leftmost placement, unchanged base first): chr16-2100450-TG-T. GRCh37 (hg19) VCF-style: chr16-2150451-TG-T.
Other names: c.9513del, p.Thr3172fs (NM_000296.4); short protein forms T3172fs.
Identifiers: ClinVar variation 2428491 (VCV002428491.3), dbSNP rs2544717941, ClinGen allele CA2580090924.

ClinVar aggregate classification (germline): Likely pathogenic (1 of 4 stars; one submission).

Conditions:
Polycystic kidney disease, adult type (PKD1). Also called: Polycystic Kidney, Autosomal Dominant; POLYCYSTIC KIDNEY DISEASE 1 WITH OR WITHOUT POLYCYSTIC LIVER DISEASE; POLYCYSTIC KIDNEY DISEASE, ADULT, TYPE I; Polycystic Kidney Disease 1, Autosomal Dominant; Polycystic kidney disease 1; Polycystic kidney disease 1, severe. Identifiers: MedGen C3149841, MONDO:0008263, OMIM 173900.

Submission:

Center for Human Genetics and Genomic Medicine, Uniklinik Rwth Aachen
Classification: Likely pathogenic for Polycystic kidney disease, adult type. Last evaluated: 2023-02-03. Review status: criteria provided, single submitter. Criteria: ACMG Guidelines, 2015. Collection method: clinical testing. Allele origin: unknown. Inheritance: Autosomal dominant inheritance. Affected: yes. Observed: 1 heterozygote.
Comment: The variant is not listed in control collectives (gnomAD). It has not yet been described in the literature or in the ClinVar database. The frame shift resulting from the deletion is a loss-of-function alteration. Loss-of-function alterations in PKD1 are a known pathomechanism for the development of ADPKD. Therefore, a pathogenetic relevance can be assumed with a high degree of probability. Bioinformatically, the change is classified as "probably disease-causing" (PolyPhen2, Mutation Taster, SIFT). At this point in time, the variant is to be considered a "likely pathogenic variant" (ACMG criteria).